The following is an entry in ClinVar:

NM_020937.4(FANCM):c.5315G>A (p.Cys1772Tyr)

Gene: FANCM (FA complementation group M; plus strand). Cytogenetic location: 14q21.2.
Variant type: single nucleotide variant.
Coding change: c.5315G>A on transcript NM_020937.4 (MANE Select); coding-DNA position 5315, G replaced by A.
Protein change: p.Cys1772Tyr; replaces cysteine 1772 with tyrosine.
Molecular consequence: missense variant.
Genome position (GRCh38, 1-based): chr14:45,189,337, G>A. VCF-style: chr14-45189337-G-A. GRCh37 (hg19) VCF-style: chr14-45658540-G-A.
Other names: c.5237G>A, p.Cys1746Tyr (NM_001308133.2); short protein forms C1746Y, C1772Y.
Identifiers: ClinVar variation 4022822 (VCV004022822.1).
Genomic context (GRCh38, chr14:45,189,337, plus strand): 5'-ATCATAATGAAGTCCAGTCTACCACACCACCCTTCACTACTGTTGATTCACAGAAAGACT[G>A]TAGAAAATTTCCAGTTCCACAGAAGGTATGGATCAAAGAAAGGAAAAATATCTTTAGATG-3'
Protein context (NP_065988.1, residues 1762-1782): PFTTVDSQKD[Cys1772Tyr]RKFPVPQKDG

ClinVar aggregate classification (germline): Uncertain significance (1 of 4 stars; one submission).

Conditions:
Inborn genetic diseases. Identifiers: MedGen C0950123, MeSH D030342.

gnomAD v4.1: 2 of 1,613,328 alleles (0.00012%); highest among the groups gnomAD compares: Non-Finnish European, 0.00017%; no homozygotes.

Submission:

Ambry Genetics
Classification: Uncertain significance for Inborn genetic diseases. Last evaluated: 2025-05-28. Review status: criteria provided, single submitter. Criteria: Ambry Variant Classification Scheme 2023. Collection method: clinical testing. Allele origin: germline.
Comment: The p.C1772Y variant (also known as c.5315G>A), located in coding exon 20 of the FANCM gene, results from a G to A substitution at nucleotide position 5315. The cysteine at codon 1772 is replaced by tyrosine, an amino acid with highly dissimilar properties. This amino acid position is conserved. In addition, this alteration is predicted to be tolerated by in silico analysis. Based on the available evidence, the clinical significance of this variant remains unclear.